The following is an entry in ClinVar:

ClinVar aggregate classification (germline): Pathogenic. Review status: criteria provided, multiple submitters, no conflicts (2 of 4 stars). 23 submissions from 23 submitters: Pathogenic (19). 4 of the submissions do not count toward it. Last evaluated 2026-10-28.

Conditions:
Renal tubulopathies.
Familial hypokalemia-hypomagnesemia (GTLMNS). Also called: POTASSIUM AND MAGNESIUM DEPLETION; gitelman syndrome; HYPOMAGNESEMIA-HYPOKALEMIA, PRIMARY RENOTUBULAR, WITH HYPOCALCIURIA. Identifiers: Orphanet 358, MedGen C0268450, MONDO:0009904, OMIM 263800.
SLC12A3-related disorder. Also called: SLC12A3-related condition.
Bartter syndrome. Identifiers: Orphanet 112, MedGen C0004775, MONDO:0015231.

Allele frequency attached by ClinVar (database versions not stated): ExAC 0.00017; gnomAD 0.00022 and 0.00024; gnomAD exomes 0.00022 and 0.00052; TOPMed 0.00022; ESP Exome Variant Server 0.00031.
gnomAD v4.1: 762 of 1,600,694 alleles (0.048%); highest among the groups gnomAD compares: Non-Finnish European, 0.063%; no homozygotes.

Submissions 1 to 12 of 23:

Clinical Genetics Laboratory, Skane University Hospital Lund
Classification: Pathogenic for Familial hypokalemia-hypomagnesemia. Last evaluated: 2026-10-28. Review status: criteria provided, single submitter. Criteria: ACMG Guidelines, 2015. Collection method: clinical testing. Allele origin: germline. Affected: yes.
Comment: SLC12A3 (NM_001126108.2) c.2856+1G>T, p.? is a nucleotide substitution in intron 24 of 25 that is predicted to result in aberrant splicing of exon 24 of 26, leading to a truncated protein or loss of protein expression from the affected allele. The SLC12A3 c.2856+1G>T variant has not been identified in the homozygous state in the general population. It has previously been reported in the literature (see, for example, PMID: 29398133) and is listed as pathogenic in the ClinVar database (Accession: VCV000372504.55). The variant has been classified as pathogenic according to the ACMG/AMP guidelines based on the following criteria: PVS1, PM2, PM3_Strong.

Natera, Inc.
Classification: Pathogenic for Gitelman syndrome. Last evaluated: 2026-01-29. Review status: criteria provided, single submitter. Criteria: Natera Variant Classification Schema (03/2026). Collection method: clinical testing. Allele origin: germline.
Comment: The c.2883+1G>T variant in SLC12A3 is a canonical splice donor site variant predicted to affect pre-mRNA splicing, which may result in an abnormal transcript and altered protein product. This variant is expected to result in nonsense mediated decay, truncation, or a dysfunctional protein product. This variant is rare in the general population with a frequency below the threshold expected for the associated phenotype(s). This variant has been observed in one or more individuals affected with the associated recessive disease, as either homozygous or compound heterozygous with a second variant (PMID: 31285285). Given the available evidence, this variant is classified as Pathogenic.

Women's Health and Genetics/Laboratory Corporation of America, LabCorp
Classification: Pathogenic for Familial hypokalemia-hypomagnesemia. Last evaluated: 2025-12-29. Review status: criteria provided, single submitter. Criteria: LabCorp Variant Classification Summary - May 2015. Collection method: clinical testing. Allele origin: germline.
Comment: Variant summary: SLC12A3 c.2883+1G>T is located in a canonical splice-site and is predicted to affect mRNA splicing resulting in a significantly altered protein due to either exon skipping, shortening, or inclusion of intronic material. Variants that disrupt the consensus splice site are a relatively common cause of aberrant splicing and loss of SLC12A3 function. Computational tools predict a significant impact on normal splicing: Two predict the variant abolishes a 5' splicing donor site. However, these predictions have yet to be confirmed by functional studies. The variant allele was found at a frequency of 0.00022 in 250878 control chromosomes (gnomAD). This frequency is not significantly higher than estimated for disease-causing variants in SLC12A3, allowing no conclusion about variant significance. c.2883+1G>T has been observed in multiple individuals affected with Familial Hypokalemia-Hypomagnesemia (e.g. Simon_1996, Abuladze_1998, Ashton_2018). These data indicate that the variant is very likely to be associated with disease. The following publications have been ascertained in the context of this evaluation (PMID: 8528245, 9596079, 29398133). ClinVar contains an entry for this variant (Variation ID: 372504). Based on the evidence outlined above, the variant was classified as pathogenic.

Labcorp Genetics (formerly Invitae), Labcorp
Classification: Pathogenic. Last evaluated: 2025-12-22. Review status: criteria provided, single submitter. Criteria: Invitae Variant Classification Sherloc (09022015). Collection method: clinical testing. Allele origin: germline.
Comment: This sequence change affects a donor splice site in intron 24 of the SLC12A3 gene. RNA analysis indicates that disruption of this splice site induces altered splicing and may result in an absent or altered protein product. This variant is present in population databases (rs199974259, gnomAD 0.05%). Disruption of this splice site has been observed in individual(s) with Gitelman syndrome (PMID: 9596079). In at least one individual the data is consistent with being in trans (on the opposite chromosome) from a pathogenic variant. It has also been observed to segregate with disease in related individuals. ClinVar contains an entry for this variant (Variation ID: 372504). Studies have shown that disruption of this splice site results in skipping of exon 24, and produces a non-functional protein and/or introduces a premature termination codon (PMID: 9596079). For these reasons, this variant has been classified as Pathogenic.

Dasa
Classification: Pathogenic. Last evaluated: 2025-11-17. Review status: criteria provided, single submitter. Criteria: DASA Assertion Criteria. Collection method: clinical testing. Allele origin: germline.
Comment: NM_001126108.2(SLC12A3):c.2856+1G>T introduces a premature termination codon predicted to result in loss of normal protein function. Loss-of-function is an established mechanism of disease for this gene. This variant has been observed in affected individuals with related phenotype in a genotype context consistent with recessive disease (PMID: 22009145; PMID: 23328711). This variant has been recurrently observed in individuals with related phenotype (PMID: 22009145; PMID: 23328711). The variant is present at low frequency in population datasets. Based on the available data, this variant is classified as pathogenic.

Genetics Laboratory, Great Ormond Street Hospital NHS Foundation Trust, North Thames Genomic Laboratory Hub
Classification: Pathogenic for Renal tubulopathies. Last evaluated: 2025-09-12. Review status: criteria provided, single submitter. Criteria: ACGS Best Practice Guidelines for Variant Classification in Rare Disease 2024 v1.2. Collection method: clinical testing. Allele origin: germline. Affected: yes.
Comment: PS4_moderate, PVS1_very-strong, PM3_very-strong

Athena Diagnostics
Classification: Pathogenic. Last evaluated: 2025-08-05. Review status: criteria provided, single submitter. Criteria: Athena Diagnostics Criteria. Collection method: clinical testing. Allele origin: unknown.
Comment: This variant is expected to severely impact normal RNA splicing, and consequently, protein structure and/or function. The frequency of this variant in the general population is consistent with pathogenicity. In multiple individuals, this variant has been seen with a single recessive pathogenic variant in the same gene, suggesting this variant may also be pathogenic.

CeGaT Center for Human Genetics Tuebingen
Classification: Pathogenic. Last evaluated: 2025-02-01. Review status: criteria provided, single submitter. Criteria: CeGaT Center For Human Genetics Tuebingen Variant Classification Criteria Version 2. Collection method: clinical testing. Allele origin: germline. Affected: yes. Observed: 1 variant allele.
Comment: SLC12A3: PM3:Very Strong, PVS1, PM2, PP4, PS1:Supporting

Institute of Human Genetics, University of Leipzig Medical Center
Classification: Pathogenic for Familial hypokalemia-hypomagnesemia. Last evaluated: 2025-01-07. Review status: criteria provided, single submitter. Criteria: ACMG Guidelines, 2015. Collection method: clinical testing. Allele origin: paternal. Inheritance: Autosomal recessive inheritance. Affected: yes.
Comment: Criteria applied: PVS1,PM3_STR,PM2_SUP

Blueprint Genetics
Classification: Pathogenic for SLC12A3-related disorders. Last evaluated: 2024-08-15. Review status: criteria provided, single submitter. Criteria: ACMG Guidelines, 2015. Collection method: clinical testing. Allele origin: germline. Affected: yes. Observed: 5 variant alleles.

Revvity Omics, Revvity
Classification: Pathogenic for Familial hypokalemia-hypomagnesemia. Last evaluated: 2024-06-12. Review status: criteria provided, single submitter. Criteria: ACMG Guidelines, 2015. Collection method: clinical testing. Allele origin: germline.

Fulgent Genetics
Classification: Pathogenic for Familial hypokalemia-hypomagnesemia. Last evaluated: 2024-02-14. Review status: criteria provided, single submitter. Criteria: ACMG Guidelines, 2015. Collection method: clinical testing. Allele origin: germline.

NM_001126108.2(SLC12A3):c.2856+1G>T

Gene: SLC12A3 (solute carrier family 12 member 3; plus strand). Cytogenetic location: 16q13.
Variant type: single nucleotide variant.
Coding change: c.2856+1G>T on transcript NM_001126108.2 (MANE Select); the canonical splice donor site of the intron after coding-DNA position 2856, G replaced by T.
Molecular consequence: splice donor variant.
Genome position (GRCh38, 1-based): chr16:56,902,509, G>T. VCF-style: chr16-56902509-G-T. GRCh37 (hg19) VCF-style: chr16-56936421-G-T.
Other names: c.2856+1G>T (NM_001126108.1); c.2883+1G>T (NM_000339.3); c.2880+1G>T (NM_001126107.2); c.2853+1G>T (NM_001410896.1).
Identifiers: ClinVar variation 372504 (VCV000372504.57), dbSNP rs199974259, ClinGen allele CA8070077.